The following is an entry in ClinVar:

NM_002069.6(GNAI1):c.785C>A (p.Thr262Lys)

Gene: GNAI1 (G protein subunit alpha i1; plus strand). Cytogenetic location: 7q21.11.
Variant type: single nucleotide variant.
Coding change: c.785C>A on transcript NM_002069.6 (MANE Select); coding-DNA position 785, C replaced by A.
Protein change: p.Thr262Lys; replaces threonine 262 with lysine.
Molecular consequence: missense variant.
Genome position (GRCh38, 1-based): chr7:80,212,780, C>A. VCF-style: chr7-80212780-C-A. GRCh37 (hg19) VCF-style: chr7-79842096-C-A.
Other names: c.629C>A, p.Thr210Lys (NM_001256414.2); short protein forms T210K, T262K.
Identifiers: ClinVar variation 4881300 (VCV004881300.2).

ClinVar aggregate classification (germline): Uncertain significance (1 of 4 stars; one submission).

gnomAD v4.1: 5 of 1,571,884 alleles (0.00032%); highest among the groups gnomAD compares: Non-Finnish European, 0.00043%; no homozygotes.

Submission:

Dasa
Classification: Uncertain significance. Last evaluated: 2024-12-03. Review status: criteria provided, single submitter. Criteria: DASA Assertion Criteria. Collection method: clinical testing. Allele origin: germline.
Comment: NM_002069.6(GNAI1):c.785C>A (p.Thr262Lys) is a missense variant that results in the substitution of threonine with lysine. This variant is rare in population databases. Computational prediction algorithms are consistent with a deleterious effect. The currently available literature and clinical evidence are not sufficient to establish a definitive association between this variant and the reported condition. Therefore, this variant is classified as a variant of uncertain significance.